The following is an entry in ClinVar:

NM_000384.3(APOB):c.5014A>G (p.Asn1672Asp)

Gene: APOB (apolipoprotein B; minus strand). Cytogenetic location: 2p24.1.
Variant type: single nucleotide variant.
Coding change: c.5014A>G on transcript NM_000384.3 (MANE Select); coding-DNA position 5014, A replaced by G.
Protein change: p.Asn1672Asp; replaces asparagine 1672 with aspartic acid.
Molecular consequence: missense variant.
Genome position (GRCh38, 1-based): chr2:21,011,854, T>C on the plus strand (A>G on the coding strand, the complement: APOB is on the minus strand). VCF-style: chr2-21011854-T-C. GRCh37 (hg19) VCF-style: chr2-21234726-T-C.
Other names: short protein forms N1672D.
Identifiers: ClinVar variation 4526226 (VCV004526226.1).

ClinVar aggregate classification (germline): Uncertain significance (1 of 4 stars; one submission).

Submission:

Women's Health and Genetics/Laboratory Corporation of America, LabCorp
Classification: Uncertain significance. Last evaluated: 2025-07-24. Review status: criteria provided, single submitter. Criteria: LabCorp Variant Classification Summary - May 2015. Collection method: clinical testing. Allele origin: germline.
Comment: Variant summary: APOB c.5014A>G (p.Asn1672Asp) results in a conservative amino acid change in the encoded protein sequence. Algorithms developed to predict the effect of missense changes on protein structure and function are either unavailable or do not agree on the potential impact of this missense change. The variant was absent in 251090 control chromosomes. The available data on variant occurrences in the general population are insufficient to allow any conclusion about variant significance. To our knowledge, no occurrence of c.5014A>G in individuals affected with Familial Hypobetalipoproteinemia 1 Recessive and no experimental evidence demonstrating its impact on protein function have been reported. No submitters have cited clinical-significance assessments for this variant to ClinVar. Based on the evidence outlined above, the variant was classified as uncertain significance.